The following is an entry in ClinVar:

ClinVar aggregate classification (germline): Uncertain significance (1 of 4 stars; one submission).

Submission:

Labcorp Genetics (formerly Invitae), Labcorp
Classification: Uncertain significance. Last evaluated: 2024-08-01. Review status: criteria provided, single submitter. Criteria: Invitae Variant Classification Sherloc (09022015). Collection method: clinical testing. Allele origin: germline.
Comment: This sequence change replaces proline, which is neutral and non-polar, with serine, which is neutral and polar, at codon 1888 of the KAT6A protein (p.Pro1888Ser). This variant is not present in population databases (gnomAD no frequency). This variant has not been reported in the literature in individuals affected with KAT6A-related conditions. Advanced modeling of protein sequence and biophysical properties (such as structural, functional, and spatial information, amino acid conservation, physicochemical variation, residue mobility, and thermodynamic stability) performed at Invitae indicates that this missense variant is not expected to disrupt KAT6A protein function with a negative predictive value of 80%. In summary, the available evidence is currently insufficient to determine the role of this variant in disease. Therefore, it has been classified as a Variant of Uncertain Significance.

NM_006766.5(KAT6A):c.5662C>T (p.Pro1888Ser)

Gene: KAT6A (lysine acetyltransferase 6A; minus strand). Cytogenetic location: 8p11.21.
Variant type: single nucleotide variant.
Coding change: c.5662C>T on transcript NM_006766.5 (MANE Select); coding-DNA position 5662, C replaced by T.
Protein change: p.Pro1888Ser; replaces proline 1888 with serine.
Molecular consequence: missense variant.
Genome position (GRCh38, 1-based): chr8:41,932,558, G>A on the plus strand (C>T on the coding strand, the complement: KAT6A is on the minus strand). VCF-style: chr8-41932558-G-A. GRCh37 (hg19) VCF-style: chr8-41790076-G-A.
Other names: short protein forms P1888S.
Identifiers: ClinVar variation 3688804 (VCV003688804.2).